The following is an entry in ClinVar:

NM_001378454.1(ALMS1):c.10169C>T (p.Ala3390Val)

Gene: ALMS1 (ALMS1 centrosome and basal body associated protein; plus strand). Cytogenetic location: 2p13.1.
Variant type: single nucleotide variant.
Coding change: c.10169C>T on transcript NM_001378454.1 (MANE Select); coding-DNA position 10169, C replaced by T.
Protein change: p.Ala3390Val; replaces alanine 3390 with valine.
Molecular consequence: missense variant.
Genome position (GRCh38, 1-based): chr2:73,557,310, C>T. VCF-style: chr2-73557310-C-T. GRCh37 (hg19) VCF-style: chr2-73784437-C-T.
Other names: c.10172C>T, p.Ala3391Val (NM_015120.4); short protein forms A3391V, A3390V.
Identifiers: ClinVar variation 390209 (VCV000390209.6), dbSNP rs905527689, ClinGen allele CA16604694.

ClinVar aggregate classification (germline): Uncertain significance. Review status: criteria provided, multiple submitters, no conflicts (2 of 4 stars). 4 submissions from 4 submitters: Uncertain significance (3). 1 of the submissions does not count toward it. Last evaluated 2023-10-06.

Conditions:
Cardiovascular phenotype. Identifiers: MedGen CN230736.
Alstrom syndrome (ALMS). Identifiers: Orphanet 64, MedGen C0268425, MONDO:0008763, OMIM 203800.

Allele frequency attached by ClinVar (database versions not stated): gnomAD exomes below 0.00001; gnomAD 0.00001; TOPMed 0.00003.
gnomAD v4.1: 9 of 1,614,042 alleles (0.00056%); highest among the groups gnomAD compares: Non-Finnish European, 0.00068%; no homozygotes.

Submissions (4):

Ambry Genetics
Classification: Uncertain significance for Cardiovascular phenotype. Last evaluated: 2023-10-06. Review status: criteria provided, single submitter. Criteria: Ambry Variant Classification Scheme 2023. Collection method: clinical testing. Allele origin: germline.
Comment: The p.A3391V variant (also known as c.10172C>T), located in coding exon 14 of the ALMS1 gene, results from a C to T substitution at nucleotide position 10172. The alanine at codon 3391 is replaced by valine, an amino acid with similar properties. This amino acid position is not well conserved in available vertebrate species. In addition, this alteration is predicted to be tolerated by in silico analysis. Since supporting evidence is limited at this time, the clinical significance of this alteration remains unclear.

Labcorp Genetics (formerly Invitae), Labcorp
Classification: Uncertain significance for Alstrom syndrome. Last evaluated: 2022-04-12. Review status: criteria provided, single submitter. Criteria: Invitae Variant Classification Sherloc (09022015). Collection method: clinical testing. Allele origin: germline.
Comment: This sequence change replaces alanine, which is neutral and non-polar, with valine, which is neutral and non-polar, at codon 3391 of the ALMS1 protein (p.Ala3391Val). The frequency data for this variant in the population databases is considered unreliable, as metrics indicate poor data quality at this position in the gnomAD database. This variant has not been reported in the literature in individuals affected with ALMS1-related conditions. ClinVar contains an entry for this variant (Variation ID: 390209). Experimental studies and prediction algorithms are not available or were not evaluated, and the functional significance of this variant is currently unknown. In summary, the available evidence is currently insufficient to determine the role of this variant in disease. Therefore, it has been classified as a Variant of Uncertain Significance.

GeneDx
Classification: Uncertain significance. Last evaluated: 2017-08-25. Review status: criteria provided, single submitter. Criteria: GeneDx Variant Classification (06012015). Collection method: clinical testing. Allele origin: germline. Affected: yes.
Comment: The A3391V variant of uncertain significance in the ALMS1 gene has not been published as a pathogenic variant, norhas it been reported as a benign variant to our knowledge. A3391V was not observed in approximately 6,000individuals of European and African American ancestry in the NHLBI Exome Sequencing Project, nor was it observedin the Exome Aggregation Consortium (ExAC), indicating it is not a common benign variant in these populations.However, the A3391V variant is a conservative amino acid substitution, which is not likely to impact secondaryprotein structure as these residues share similar properties. Moreover, this substitution occurs at a position that is notconserved, where V3391 is present in at least two species. Nevertheless, in silico analysis is inconsistent in itspredictions as to whether or not the variant is damaging to the protein structure/function.Therefore, based on the currently available information, it is unclear whether this variant is pathogenic or rare benign.

Natera, Inc.
Classification: Uncertain significance for Alstrom syndrome. Last evaluated: 2021-04-26. Review status: no assertion criteria provided. Collection method: clinical testing. Allele origin: germline. Not counted in ClinVar's aggregate classification.